The following is an entry in ClinVar:

NM_020163.3(SEMA3G):c.1893G>C (p.Glu631Asp)

Gene: SEMA3G (semaphorin 3G; minus strand). Cytogenetic location: 3p21.1.
Variant type: single nucleotide variant.
Coding change: c.1893G>C on transcript NM_020163.3 (MANE Select); coding-DNA position 1893, G replaced by C.
Protein change: p.Glu631Asp; replaces glutamic acid 631 with aspartic acid.
Molecular consequence: missense variant.
Genome position (GRCh38, 1-based): chr3:52,436,059, C>G on the plus strand (G>C on the coding strand, the complement: SEMA3G is on the minus strand). VCF-style: chr3-52436059-C-G. GRCh37 (hg19) VCF-style: chr3-52470075-C-G.
Other names: short protein forms E631D.
Identifiers: ClinVar variation 4979413 (VCV004979413.1).

ClinVar aggregate classification (germline): Uncertain significance (1 of 4 stars; one submission).

Conditions:
SEMA3G-related disorder. Also called: SEMA3G-related condition.

gnomAD v4.1: 131 of 1,608,744 alleles (0.0081%); highest among the groups gnomAD compares: Non-Finnish European, 0.011%; no homozygotes.

Submission:

PreventionGenetics, part of Exact Sciences
Classification: Uncertain significance for SEMA3G-related condition. Last evaluated: 2026-06-09. Review status: criteria provided, single submitter. Criteria: ACMG Guidelines, 2015. Collection method: clinical testing. Allele origin: germline.
Comment: The SEMA3G c.1893G>C variant is predicted to result in the amino acid substitution p.Glu631Asp. To our knowledge, this variant has not been reported in the literature. This variant is reported in 0.011% of alleles in individuals of European (Non-Finnish) descent in gnomAD. At this time, the clinical significance of this variant is uncertain due to the absence of conclusive functional and genetic evidence.